The following is an entry in ClinVar:

NM_001130438.3(SPTAN1):c.6468C>T (p.Ala2156=)

Gene: SPTAN1 (spectrin alpha, non-erythrocytic 1; plus strand). Cytogenetic location: 9q34.11.
Variant type: single nucleotide variant.
Coding change: c.6468C>T on transcript NM_001130438.3 (MANE Select); coding-DNA position 6468, C replaced by T.
Protein change: p.Ala2156=; no amino-acid change (alanine 2156 retained).
Molecular consequence: synonymous variant.
Genome position (GRCh38, 1-based): chr9:128,626,579, C>T. VCF-style: chr9-128626579-C-T. GRCh37 (hg19) VCF-style: chr9-131388858-C-T.
Other names: c.6393C>T, p.Ala2131= (NM_001195532.2); c.6468C>T, p.Ala2156= (NM_001363759.2); c.6408C>T, p.Ala2136= (NM_001363765.2); c.6453C>T, p.Ala2151= (NM_003127.4).
Identifiers: ClinVar variation 514955 (VCV000514955.17), dbSNP rs551663711, ClinGen allele CA5265708.

ClinVar aggregate classification (germline): Likely benign. Review status: criteria provided, multiple submitters, no conflicts (2 of 4 stars). 4 submissions from 4 submitters: Likely benign (4). Last evaluated 2026-06-01.

Conditions:
Early-infantile DEE. Also called: Early infantile epileptic encephalopathy; Ohtahara syndrome; Early infantile epileptic encephalopathy with suppression bursts. Identifiers: Orphanet 1934, MedGen C0393706, MONDO:0800491.
Inborn genetic diseases. Identifiers: MedGen C0950123, MeSH D030342.

Allele frequency attached by ClinVar (database versions not stated): ExAC 0.00002; gnomAD 0.00002 and 0.00003; gnomAD exomes 0.00004; TOPMed 0.00009; 1000 Genomes Project 30x 0.00016; 1000 Genomes Project 0.00020.
gnomAD v4.1: 23 of 1,613,964 alleles (0.0014%); highest among the groups gnomAD compares: Admixed American, 0.018%; no homozygotes.

Submissions (4):

CeGaT Center for Human Genetics Tuebingen
Classification: Likely benign. Last evaluated: 2026-06-01. Review status: criteria provided, single submitter. Criteria: CeGaT Center For Human Genetics Tuebingen Variant Classification Criteria Version 2. Collection method: clinical testing. Allele origin: germline. Affected: yes. Observed: 1 variant allele.
Comment: SPTAN1: BP4, BP7

Labcorp Genetics (formerly Invitae), Labcorp
Classification: Likely benign for Early-infantile DEE. Last evaluated: 2025-11-12. Review status: criteria provided, single submitter. Criteria: Invitae Variant Classification Sherloc (09022015). Collection method: clinical testing. Allele origin: germline.

GeneDx
Classification: Likely benign. Last evaluated: 2020-05-26. Review status: criteria provided, single submitter. Criteria: GeneDx Variant Classification Process June 2021. Collection method: clinical testing. Allele origin: germline. Affected: yes.

Ambry Genetics
Classification: Likely benign for Inborn genetic diseases. Last evaluated: 2018-02-09. Review status: criteria provided, single submitter. Criteria: Ambry Variant Classification Scheme 2023. Collection method: clinical testing. Allele origin: germline.